The following is an entry in ClinVar:

ClinVar aggregate classification (germline): Uncertain significance (1 of 4 stars; one submission).

Conditions:
Autosomal recessive limb-girdle muscular dystrophy type 2P. Also called: MUSCULAR DYSTROPHY-DYSTROGLYCANOPATHY, LIMB-GIRDLE, DAG1-RELATED; Limb-Girdle Muscular Dystrophy Type 9C; MUSCULAR DYSTROPHY, LIMB-GIRDLE, TYPE 2P. Identifiers: Orphanet 280333, MedGen C4511963, MONDO:0013440, OMIM 613818.
Muscular dystrophy-dystroglycanopathy (congenital with brain and eye anomalies), type A9. Also called: Muscular dystrophy-dystroglycanopathy (congenital with brain and eye anomalies), type a, 9; WALKER-WARBURG SYNDROME OR MUSCLE-EYE BRAIN DISEASE, DAG1-RELATED. Identifiers: Orphanet 370997, Orphanet 899, MedGen C4225291, MONDO:0014683, OMIM 616538.

Submission:

Labcorp Genetics (formerly Invitae), Labcorp
Classification: Uncertain significance for Autosomal recessive limb-girdle muscular dystrophy type 2P; Muscular dystrophy-dystroglycanopathy (congenital with brain and eye anomalies), type A9. Last evaluated: 2022-02-10. Review status: criteria provided, single submitter. Criteria: Invitae Variant Classification Sherloc (09022015). Collection method: clinical testing. Allele origin: germline.
Comment: In summary, the available evidence is currently insufficient to determine the role of this variant in disease. Therefore, it has been classified as a Variant of Uncertain Significance. Experimental studies and prediction algorithms are not available or were not evaluated, and the functional significance of this variant is currently unknown. This variant has not been reported in the literature in individuals affected with DAG1-related conditions. This variant results in a copy number gain of the genomic region encompassing exon(s) 2 of the DAG1 gene. This region includes the initiator codon of the gene. This copy number gain extends beyond the assayed region for this gene and therefore may encompass additional genes. As the precise location of this event is unknown, it may be in tandem or it may be located elsewhere in the genome.

NC_000003.11:g.(?_49547968)_(49548272_?)dup

Gene: DAG1 (dystroglycan 1; plus strand). Cytogenetic location: 3p21.31.
Variant type: Duplication.
Identifiers: ClinVar variation 1411185 (VCV001411185.6).